The following is an entry in ClinVar:

ClinVar aggregate classification (germline): Uncertain significance (1 of 4 stars; one submission).

Allele frequency attached by ClinVar (database versions not stated): ExAC 0.00002; gnomAD exomes 0.00002; gnomAD 0.00004 and 0.00005; TOPMed 0.00004.
gnomAD v4.1: 28 of 1,611,540 alleles (0.0017%); highest among the groups gnomAD compares: East Asian, 0.0045%; no homozygotes.

Submission:

Labcorp Genetics (formerly Invitae), Labcorp
Classification: Uncertain significance. Last evaluated: 2025-12-15. Review status: criteria provided, single submitter. Criteria: Invitae Variant Classification Sherloc (09022015). Collection method: clinical testing. Allele origin: germline.
Comment: This sequence change replaces threonine, which is neutral and polar, with methionine, which is neutral and non-polar, at codon 133 of the AP3D1 protein (p.Thr133Met). This variant is present in population databases (rs771788983, gnomAD 0.005%). This variant has not been reported in the literature in individuals affected with AP3D1-related conditions. ClinVar contains an entry for this variant (Variation ID: 1369089). An algorithm developed to predict the effect of missense changes on protein structure and function (PolyPhen-2) suggests that this variant is likely to be tolerated. In summary, the available evidence is currently insufficient to determine the role of this variant in disease. Therefore, it has been classified as a Variant of Uncertain Significance.

NM_001261826.3(AP3D1):c.398C>T (p.Thr133Met)

Gene: AP3D1 (adaptor related protein complex 3 subunit delta 1; minus strand). Cytogenetic location: 19p13.3.
Variant type: single nucleotide variant.
Coding change: c.398C>T on transcript NM_001261826.3 (MANE Select); coding-DNA position 398, C replaced by T.
Protein change: p.Thr133Met; replaces threonine 133 with methionine.
Molecular consequence: missense variant.
Genome position (GRCh38, 1-based): chr19:2,132,535, G>A on the plus strand (C>T on the coding strand, the complement: AP3D1 is on the minus strand). VCF-style: chr19-2132535-G-A. GRCh37 (hg19) VCF-style: chr19-2132534-G-A.
Other names: c.398C>T, p.Thr133Met (NM_001374799.1, NM_003938.8); short protein forms T133M.
Identifiers: ClinVar variation 1369089 (VCV001369089.6), dbSNP rs771788983, ClinGen allele CA9059733.
Genomic context (GRCh38, chr19:2,132,535, plus strand): 5'-GTCATGATGTCATTTGCCAGGTCTCTGGCAAGGTCTGGGGTGACGAAGCAGGACAGACCC[G>A]TCAGTGCAACACCTGTGTCGTACTGGCTGGGGCTGCTCAAGTCCTGGAAAGTGAGAGAAA-3'
Protein context (NP_001248755.1, residues 123-143): PSQYDTGVAL[Thr133Met]GLSCFVTPDL